The following is an entry in ClinVar:

NM_017617.5(NOTCH1):c.390G>A (p.Pro130=)

Gene: NOTCH1 (notch receptor 1; minus strand). Cytogenetic location: 9q34.3.
Variant type: single nucleotide variant.
Coding change: c.390G>A on transcript NM_017617.5 (MANE Select); coding-DNA position 390, G replaced by A.
Protein change: p.Pro130=; no amino-acid change (proline 130 retained).
Molecular consequence: synonymous variant.
Genome position (GRCh38, 1-based): chr9:136,523,730, C>T on the plus strand (G>A on the coding strand, the complement: NOTCH1 is on the minus strand). VCF-style: chr9-136523730-C-T. GRCh37 (hg19) VCF-style: chr9-139418182-C-T.
Other names: c.390G>A, p.Pro130= (LRG_1122t1); c.390G>A (NM_017617.4).
Identifiers: ClinVar variation 415411 (VCV000415411.32), dbSNP rs61751559, ClinGen allele CA5342189.

ClinVar aggregate classification (germline): Benign/Likely benign. Review status: criteria provided, multiple submitters, no conflicts (2 of 4 stars). 11 submissions from 10 submitters: Benign (1); Likely benign (9). 1 of the submissions does not count toward it. Last evaluated 2026-01-04.

Conditions:
NOTCH1-related disorder. Also called: NOTCH1-related condition; NOTCH1-related disorders.
Adams-Oliver syndrome 5 (AOS5). Identifiers: Orphanet 974, MedGen C4014970, MONDO:0014459, OMIM 616028.
Familial thoracic aortic aneurysm and aortic dissection (TAAD). Also called: Thoracic aortic aneurysms and dissections. Identifiers: Orphanet 91387, MedGen C4707243, MONDO:0019625.
Aortic valve disease 1 (AOVD1). Identifiers: MedGen C3887892, MONDO:0024523, OMIM 109730.

Allele frequency attached by ClinVar (database versions not stated): gnomAD exomes 0.00010 and 0.00011; TOPMed 0.00010; ExAC 0.00007; ESP Exome Variant Server 0.00008; gnomAD 0.00009 and 0.00010.
gnomAD v4.1: 166 of 1,607,342 alleles (0.01%); highest among the groups gnomAD compares: Middle Eastern, 0.06%; no homozygotes.

Submissions (11):

Labcorp Genetics (formerly Invitae), Labcorp
Classification: Likely benign for Adams-Oliver syndrome 5. Last evaluated: 2026-01-04. Review status: criteria provided, single submitter. Criteria: Invitae Variant Classification Sherloc (09022015). Collection method: clinical testing. Allele origin: germline.

CeGaT Center for Human Genetics Tuebingen
Classification: Likely benign. Last evaluated: 2025-11-01. Review status: criteria provided, single submitter. Criteria: CeGaT Center For Human Genetics Tuebingen Variant Classification Criteria Version 2. Collection method: clinical testing. Allele origin: germline. Affected: yes. Observed: 1 variant allele.
Comment: NOTCH1: BP4, BP7

Blueprint Genetics
Classification: Likely benign. Last evaluated: 2024-11-27. Review status: criteria provided, single submitter. Criteria: ACMG Guidelines, 2015. Collection method: clinical testing. Allele origin: germline.

ARUP Laboratories, Molecular Genetics and Genomics, ARUP Laboratories
Classification: Likely benign. Last evaluated: 2023-09-25. Review status: criteria provided, single submitter. Criteria: ARUP Molecular Germline Variant Investigation Process 2024. Collection method: clinical testing. Allele origin: germline.

Women's Health and Genetics/Laboratory Corporation of America, LabCorp
Classification: Benign. Last evaluated: 2023-08-24. Review status: criteria provided, single submitter. Criteria: LabCorp Variant Classification Summary - May 2015. Collection method: clinical testing. Allele origin: germline.

Genome-Nilou Lab
Classification: Likely benign for Adams-Oliver syndrome 5. Last evaluated: 2022-03-15. Review status: criteria provided, single submitter. Criteria: ACMG Guidelines, 2015. Collection method: clinical testing. Allele origin: germline. Affected: no.

Genome-Nilou Lab
Classification: Likely benign for Aortic valve disease 1. Last evaluated: 2022-03-15. Review status: criteria provided, single submitter. Criteria: ACMG Guidelines, 2015. Collection method: clinical testing. Allele origin: germline. Affected: no.

GeneDx
Classification: Likely benign. Last evaluated: 2020-05-18. Review status: criteria provided, single submitter. Criteria: GeneDx Variant Classification Process June 2021. Collection method: clinical testing. Allele origin: germline. Affected: yes.

CHEO Genetics Diagnostic Laboratory, Children's Hospital of Eastern Ontario
Classification: Likely benign for Familial thoracic aortic aneurysm and aortic dissection. Last evaluated: 2019-10-02. Review status: criteria provided, single submitter. Criteria: ACMG Guidelines, 2015. Collection method: clinical testing. Allele origin: germline.

Ambry Genetics
Classification: Likely benign for Familial thoracic aortic aneurysm and aortic dissection. Last evaluated: 2017-07-11. Review status: criteria provided, single submitter. Criteria: Ambry Variant Classification Scheme 2023. Collection method: clinical testing. Allele origin: germline.

PreventionGenetics, part of Exact Sciences
Classification: Likely benign for NOTCH1-related condition. Last evaluated: 2019-06-24. Review status: no assertion criteria provided. Collection method: clinical testing. Allele origin: germline. Not counted in ClinVar's aggregate classification.
Comment: This variant is classified as likely benign based on ACMG/AMP sequence variant interpretation guidelines (Richards et al. 2015 PMID: 25741868, with internal and published modifications).